The following is an entry in ClinVar:

ClinVar aggregate classification (germline): Uncertain significance (1 of 4 stars; one submission).

Submission:

Labcorp Genetics (formerly Invitae), Labcorp
Classification: Uncertain significance. Last evaluated: 2022-11-01. Review status: criteria provided, single submitter. Criteria: Invitae Variant Classification Sherloc (09022015). Collection method: clinical testing. Allele origin: germline.
Comment: This variant, c.8_10dup, results in the insertion of 1 amino acid(s) of the ABHD5 protein (p.Ala3dup), but otherwise preserves the integrity of the reading frame. This variant is present in population databases (rs777623318, gnomAD 0.01%). This variant has not been reported in the literature in individuals affected with ABHD5-related conditions. Experimental studies and prediction algorithms are not available or were not evaluated, and the functional significance of this variant is currently unknown. In summary, the available evidence is currently insufficient to determine the role of this variant in disease. Therefore, it has been classified as a Variant of Uncertain Significance.

NM_016006.6(ABHD5):c.5CGG[3] (p.Ala3_Glu4insAla)

Genes: ABHD5 (abhydrolase domain containing 5, lysophosphatidic acid acyltransferase; plus strand), ANO10 (anoctamin 10; minus strand). Cytogenetic location: 3p21.33.
Variant type: Microsatellite.
Coding change: c.5CGG[3] on transcript NM_016006.6 (MANE Select); three copies in a row of the 3-base unit CGG starting at c.5; the reference has two copies in a row; one copy, 3 bases duplicated.
Protein change: p.Ala3_Glu4insAla.
Molecular consequence: inframe insertion, initiator codon variant. On other transcripts: non-coding transcript variant (1), intron variant (2).
Genome position (GRCh38, 1-based): chr3:43,691,000-43,691,002, CGG duplicated; duplicating any 3 consecutive bases within chr3:43,690,995-43,691,002 gives the same sequence; the position shown is the placement nearest the transcript's 3' end. VCF-style (leftmost placement, unchanged base first): chr3-43690994-T-TGGC. GRCh37 (hg19) VCF-style: chr3-43732486-T-TGGC.
Other names: c.5CGG[3], p.Ala3_Glu4insAla (NM_001355186.2, NM_001365650.1); c.-12+517GCC[3] (NM_001346469.2, NM_001346468.2).
Identifiers: ClinVar variation 2189874 (VCV002189874.2), dbSNP rs777623318, ClinGen allele CA2341203.